The following is an entry in ClinVar:

NM_014862.4(ARNT2):c.475C>T (p.Arg159Ter)

Gene: ARNT2 (aryl hydrocarbon receptor nuclear translocator 2; plus strand). Cytogenetic location: 15q25.1.
Variant type: single nucleotide variant.
Coding change: c.475C>T on transcript NM_014862.4 (MANE Select); coding-DNA position 475, C replaced by T.
Protein change: p.Arg159Ter; replaces arginine 159 with a stop codon.
Molecular consequence: nonsense.
Genome position (GRCh38, 1-based): chr15:80,475,076, C>T. VCF-style: chr15-80475076-C-T. GRCh37 (hg19) VCF-style: chr15-80767417-C-T.
Other names: short protein forms R159*.
Identifiers: ClinVar variation 1946819 (VCV001946819.5), dbSNP rs762786652, ClinGen allele CA393654271.

ClinVar aggregate classification (germline): Pathogenic/Likely pathogenic. Review status: criteria provided, multiple submitters, no conflicts (2 of 4 stars). 2 submissions from 2 submitters: Pathogenic (1); Likely pathogenic (1). Last evaluated 2025-09-24.

Conditions:
Webb-Dattani syndrome (WEDAS). Also called: HYPOTHALAMO-PITUITARY-FRONTOTEMPORAL HYPOPLASIA WITH VISUAL AND RENAL ANOMALIES. Identifiers: MedGen C4014708, MONDO:0014404, OMIM 615926.

gnomAD v4.1: 9 of 1,614,094 alleles (0.00056%); highest among the groups gnomAD compares: Non-Finnish European, 0.00068%; no homozygotes.

Submissions (2):

First Genomix Gene Laboratory, Genetic Diagnostics Department
Classification: Likely pathogenic for Webb-Dattani syndrome. Last evaluated: 2025-09-24. Review status: criteria provided, single submitter. Criteria: ACMG Guidelines, 2015. Collection method: clinical testing. Allele origin: germline. Inheritance: Autosomal recessive inheritance. Affected: no. Observed: 1 variant allele.

Labcorp Genetics (formerly Invitae), Labcorp
Classification: Pathogenic. Last evaluated: 2022-01-11. Review status: criteria provided, single submitter. Criteria: Invitae Variant Classification Sherloc (09022015). Collection method: clinical testing. Allele origin: germline.
Comment: This sequence change creates a premature translational stop signal (p.Arg159*) in the ARNT2 gene. It is expected to result in an absent or disrupted protein product. Loss-of-function variants in ARNT2 are known to be pathogenic (PMID: 24022475). For these reasons, this variant has been classified as Pathogenic. Algorithms developed to predict the effect of sequence changes on RNA splicing suggest that this variant may create or strengthen a splice site. This variant has not been reported in the literature in individuals affected with ARNT2-related conditions. This variant is not present in population databases (gnomAD no frequency).

Literature cited by the submitters: PubMed 24022475 (cited by Labcorp Genetics (formerly Invitae), Labcorp).